The following is an entry in ClinVar:

NM_198428.3(BBS9):c.1646C>G (p.Thr549Ser)

Gene: BBS9 (Bardet-Biedl syndrome 9; plus strand). Cytogenetic location: 7p14.3.
Variant type: single nucleotide variant.
Coding change: c.1646C>G on transcript NM_198428.3 (MANE Select); coding-DNA position 1646, C replaced by G.
Protein change: p.Thr549Ser; replaces threonine 549 with serine.
Molecular consequence: missense variant. On other transcripts: non-coding transcript variant (3).
Genome position (GRCh38, 1-based): chr7:33,357,948, C>G. VCF-style: chr7-33357948-C-G. GRCh37 (hg19) VCF-style: chr7-33397560-C-G.
Other names: c.1541C>G, p.Thr514Ser (NM_001033604.2); c.1631C>G, p.Thr544Ser (NM_001033605.2); c.1646C>G, p.Thr549Ser (NM_001348036.1, NM_001348041.4, NM_001348043.3 and 3 more transcripts); c.1280C>G, p.Thr427Ser (NM_001348037.3, NM_001348045.3, NM_001348046.3); c.1373C>G, p.Thr458Ser (NM_001348038.3); c.1268C>G, p.Thr423Ser (NM_001348039.3); c.1526C>G, p.Thr509Ser (NM_001348040.3, NM_014451.4); c.1511C>G, p.Thr504Ser (NM_001348042.3); and 2 more; short protein forms T509S, T514S, T549S, T392S, T458S, T504S, T423S, T427S.
Identifiers: ClinVar variation 1904722 (VCV001904722.5), dbSNP rs59252892, ClinGen allele CA4214452.

ClinVar aggregate classification (germline): Uncertain significance. Review status: criteria provided, multiple submitters, no conflicts (2 of 4 stars). 4 submissions from 4 submitters: Uncertain significance (4). Last evaluated 2025-10-01.

Conditions:
Bardet-Biedl syndrome 9 (BBS9). Identifiers: Orphanet 110, MedGen C1859567, MONDO:0014437, OMIM 615986.
BBS9-related disorder. Also called: BBS9-related condition.
Bardet-Biedl syndrome (BBS). Identifiers: Orphanet 110, MedGen C0752166, MONDO:0015229.

gnomAD v4.1: 7 of 1,612,578 alleles (0.00043%); highest among the groups gnomAD compares: South Asian, 0.0011%; no homozygotes.

Submissions (4):

PreventionGenetics, part of Exact Sciences
Classification: Uncertain significance for BBS9-related condition. Last evaluated: 2025-10-01. Review status: criteria provided, single submitter. Criteria: ACMG Guidelines, 2015. Collection method: clinical testing. Allele origin: germline.
Comment: The BBS9 c.1646C>G variant is predicted to result in the amino acid substitution p.Thr549Ser. To our knowledge, this variant has not been reported in the literature. This variant is reported in 0.0018% of alleles in individuals of European (Non-Finnish) descent in gnomAD. At this time, the clinical significance of this variant is uncertain due to the absence of conclusive functional and genetic evidence.

Fulgent Genetics
Classification: Uncertain significance for Bardet-Biedl syndrome 9. Last evaluated: 2024-04-05. Review status: criteria provided, single submitter. Criteria: ACMG Guidelines, 2015. Collection method: clinical testing. Allele origin: germline.

Blueprint Genetics
Classification: Uncertain significance. Last evaluated: 2023-12-12. Review status: criteria provided, single submitter. Criteria: ACMG Guidelines, 2015. Collection method: clinical testing. Allele origin: germline.

Labcorp Genetics (formerly Invitae), Labcorp
Classification: Uncertain significance for Bardet-Biedl syndrome. Last evaluated: 2022-05-07. Review status: criteria provided, single submitter. Criteria: Invitae Variant Classification Sherloc (09022015). Collection method: clinical testing. Allele origin: germline.
Comment: This sequence change replaces threonine, which is neutral and polar, with serine, which is neutral and polar, at codon 549 of the BBS9 protein (p.Thr549Ser). This variant is present in population databases (rs59252892, gnomAD 0.002%). This variant has not been reported in the literature in individuals affected with BBS9-related conditions. Algorithms developed to predict the effect of missense changes on protein structure and function are either unavailable or do not agree on the potential impact of this missense change (SIFT: "Deleterious"; PolyPhen-2: "Probably Damaging"; Align-GVGD: "Class C0"). In summary, the available evidence is currently insufficient to determine the role of this variant in disease. Therefore, it has been classified as a Variant of Uncertain Significance.